The following is an entry in ClinVar:

ClinVar aggregate classification (germline): Conflicting classifications of pathogenicity. Review status: criteria provided, conflicting classifications (1 of 4 stars). 6 submissions from 6 submitters: Uncertain significance (2); Likely benign (3). 1 of the submissions does not count toward it. Last evaluated 2025-12-13.

Conditions:
OPA1-related disorder. Also called: OPA1-related condition; OPA1-related disorders.
Mitochondrial DNA depletion syndrome 14B (cardioencephalomyopathic type). Also called: Mitochondrial DNA depletion syndrome 14 (cardioencephalomyopathic type); Mitochondrial DNA depletion syndrome 14 (encephalocardiomyopathic type). Identifiers: MedGen C6065890, MONDO:0014820, OMIM 616896.

Allele frequency attached by ClinVar (database versions not stated): ExAC 0.00002; gnomAD 0.00003; TOPMed 0.00003; ESP Exome Variant Server 0.00015.
gnomAD v4.1: 41 of 1,605,474 alleles (0.0026%); highest among the groups gnomAD compares: Non-Finnish European, 0.0034%; no homozygotes.

Submissions (6):

Labcorp Genetics (formerly Invitae), Labcorp
Classification: Likely benign. Last evaluated: 2025-12-13. Review status: criteria provided, single submitter. Criteria: Invitae Variant Classification Sherloc (09022015). Collection method: clinical testing. Allele origin: germline.

Women's Health and Genetics/Laboratory Corporation of America, LabCorp
Classification: Likely benign. Last evaluated: 2025-04-30. Review status: criteria provided, single submitter. Criteria: LabCorp Variant Classification Summary - May 2015. Collection method: clinical testing. Allele origin: germline.

Blueprint Genetics
Classification: Likely benign. Last evaluated: 2024-05-23. Review status: criteria provided, single submitter. Criteria: ACMG Guidelines, 2015. Collection method: clinical testing. Allele origin: germline.

Victorian Clinical Genetics Services, Murdoch Childrens Research Institute
Classification: Uncertain significance for Mitochondrial DNA depletion syndrome 14B (cardioencephalomyopathic type). Last evaluated: 2020-05-21. Review status: criteria provided, single submitter. Criteria: ACMG Guidelines, 2015. Collection method: clinical testing. Allele origin: germline.
Comment: Based on the classification scheme VCGS_Germline_v1.1.1, this variant is classified as 3B - VUS. Following criteria are met: 0102 - Loss-of-function is a known mechanism of disease for this gene. (N) 0108 - This gene is known to be associated with both recessive and dominant disease, where both are caused by loss of function variants (PMID: 31500643, 28494813). (N) 0112 - Variants in this gene are known to have reduced penetrance (PMID: 17306754). (N) 0212 - Non-canonical splice variant without proven consequence on splicing (no functional evidence available) (intron 1 of 28). (P) 0251 - Variant is heterozygous. (N) 0304 - Variant is present in gnomAD <0.01 (9 heterozygotes, 0 homozygotes). (P) 0309 - An alternative nucleotide change at the same position has been observed in gnomAD (1 heterozygote, 0 homozygotes). (N) 0508 – Abnormal splicing is not predicted and nucleotide is highly conserved. (N) 0705 - No comparable variants have previous evidence for pathogenicity. (N) 0804 - Variant has previously been described as a variant of uncertain significance (ClinVar, LOVD). (N) 0905 - No segregation evidence has been identified for this variant in the literature. (N) 1007 - No published functional evidence has been identified for this variant. (N) 1208 - Inheritance information for this variant is not currently available. (N) Legend: (P) - Pathogenic, (N) - Neutral, (B) - Benign

Eurofins Ntd Llc (ga)
Classification: Uncertain significance. Last evaluated: 2015-01-05. Review status: criteria provided, single submitter. Criteria: EGL Classification Definitions 2015. Collection method: clinical testing. Allele origin: germline. Observed: 1 variant allele, 1 heterozygote.

PreventionGenetics, part of Exact Sciences
Classification: Likely benign for OPA1-related condition. Last evaluated: 2019-07-24. Review status: no assertion criteria provided. Collection method: clinical testing. Allele origin: germline. Not counted in ClinVar's aggregate classification.
Comment: This variant is classified as likely benign based on ACMG/AMP sequence variant interpretation guidelines (Richards et al. 2015 PMID: 25741868, with internal and published modifications).

Literature cited by the submitters: PubMed 17306754 (cited by Victorian Clinical Genetics Services, Murdoch Childrens Research Institute); PubMed 28494813 (cited by Victorian Clinical Genetics Services, Murdoch Childrens Research Institute); PubMed 31500643 (cited by Victorian Clinical Genetics Services, Murdoch Childrens Research Institute).

NM_130837.3(OPA1):c.33-8T>C

Gene: OPA1 (OPA1 mitochondrial dynamin like GTPase; plus strand). Cytogenetic location: 3q29.
Variant type: single nucleotide variant.
Coding change: c.33-8T>C on transcript NM_130837.3 (MANE Select); 8 bases into the intron before coding-DNA position 33, T replaced by C.
Molecular consequence: intron variant.
Genome position (GRCh38, 1-based): chr3:193,614,715, T>C. VCF-style: chr3-193614715-T-C. GRCh37 (hg19) VCF-style: chr3-193332504-T-C.
Other names: c.-340-8T>C (NM_001354664.2, NM_001354663.2); c.33-8T>C (NM_130834.3, NM_130836.3, NM_015560.3 and 6 more transcripts).
Identifiers: ClinVar variation 195308 (VCV000195308.20), dbSNP rs370303596, ClinGen allele CA241678.